The following is an entry in ClinVar:

ClinVar aggregate classification (germline): Uncertain significance (1 of 4 stars; one submission).

Conditions:
Progressive sclerosing poliodystrophy (MTDPS4A). Also called: Mitochondrial DNA Depletion Syndrome 4A; Alpers-Huttenlocher Syndrome (AHS); ALPERS PROGRESSIVE INFANTILE POLIODYSTROPHY; NEURONAL DEGENERATION OF CHILDHOOD WITH LIVER DISEASE, PROGRESSIVE; Alpers Syndrome; ALPERS DIFFUSE DEGENERATION OF CEREBRAL GRAY MATTER WITH HEPATIC CIRRHOSIS. Identifiers: Orphanet 726, MedGen C0205710, MONDO:0008758, OMIM 203700.

Submission:

Labcorp Genetics (formerly Invitae), Labcorp
Classification: Uncertain significance for Progressive sclerosing poliodystrophy. Last evaluated: 2022-10-21. Review status: criteria provided, single submitter. Criteria: Invitae Variant Classification Sherloc (09022015). Collection method: clinical testing. Allele origin: germline.
Comment: This sequence change replaces tryptophan, which is neutral and slightly polar, with serine, which is neutral and polar, at codon 312 of the POLG protein (p.Trp312Ser). This variant is not present in population databases (gnomAD no frequency). This variant has not been reported in the literature in individuals affected with POLG-related conditions. Advanced modeling of protein sequence and biophysical properties (such as structural, functional, and spatial information, amino acid conservation, physicochemical variation, residue mobility, and thermodynamic stability) performed at Invitae indicates that this missense variant is expected to disrupt POLG protein function. This variant disrupts the p.Trp312 amino acid residue in POLG. Other variant(s) that disrupt this residue have been determined to be pathogenic (PMID: 20601675). This suggests that this residue is clinically significant, and that variants that disrupt this residue are likely to be disease-causing. In summary, the available evidence is currently insufficient to determine the role of this variant in disease. Therefore, it has been classified as a Variant of Uncertain Significance.

Literature cited by the submitters: PubMed 20601675.

NM_002693.3(POLG):c.935G>C (p.Trp312Ser)

Gene: POLG (DNA polymerase gamma, catalytic subunit; minus strand). Cytogenetic location: 15q26.1.
Variant type: single nucleotide variant.
Coding change: c.935G>C on transcript NM_002693.3 (MANE Select); coding-DNA position 935, G replaced by C.
Protein change: p.Trp312Ser; replaces tryptophan 312 with serine.
Molecular consequence: missense variant.
Genome position (GRCh38, 1-based): chr15:89,329,031, C>G on the plus strand (G>C on the coding strand, the complement: POLG is on the minus strand). VCF-style: chr15-89329031-C-G. GRCh37 (hg19) VCF-style: chr15-89872262-C-G.
Other names: c.935G>C, p.Trp312Ser (NM_001126131.2); short protein forms W312S.
Identifiers: ClinVar variation 2035334 (VCV002035334.4), dbSNP rs2509262236, ClinGen allele CA393765725.
Genomic context (GRCh38, chr15:89,329,031, plus strand): 5'-GACTTCTGGCCTTGCTTTGTGGGGGGCTGGACCTTGTGTTTGCCCTGCTTGGCTGCTATC[C>G]ACAGACTGCGCTGGAAGCTGCTTAGCCCTGAGATGGCCATGTGCATGCTCATGGTGTCCA-3'
Protein context (NP_002684.1, residues 302-322): SGLSSFQRSL[Trp312Ser]IAAKQGKHKV